The following is an entry in ClinVar:

NM_000368.5(TSC1):c.1030-14del

Gene: TSC1 (TSC complex subunit 1; minus strand). Cytogenetic location: 9q34.13.
Variant type: Deletion.
Coding change: c.1030-14del on transcript NM_000368.5 (MANE Select); 14 bases into the intron before coding-DNA position 1030, one base deleted (T; older notation c.1030-14delT).
Molecular consequence: intron variant.
Genome position (GRCh38, 1-based): chr9:132,911,127, A deleted on the plus strand (T on the coding strand, the reverse complement: TSC1 is on the minus strand); the first of 3 consecutive A bases (chr9:132,911,127-132,911,129); deleting any one gives the same sequence. VCF-style (leftmost placement, unchanged base first): chr9-132911126-TA-T. GRCh37 (hg19) VCF-style: chr9-135786513-TA-T.
Other names: c.667-14del (NM_001406620.1, NM_001406618.1, NM_001406625.1 and 10 more transcripts); c.877-14del (NM_001406613.1, NM_001406612.1, NM_001406610.1 and 2 more transcripts); c.79-14del (NM_001406627.1, NM_001406628.1, NM_001406626.1); c.-21-14del (NM_001406629.1, NM_001406630.1); c.1030-14del (NM_001406603.1, NM_001406609.1, NM_001406597.1 and 16 more transcripts).
Identifiers: ClinVar variation 3072518 (VCV003072518.1), dbSNP rs1159170023, ClinGen allele CA591361341.
Genomic context (GRCh38, chr9:132,911,126, plus strand): 5'-TGGAGGAGTGGTCATACCACAAACCATAGATGGGCTCCAAAGAGTAGCCTGGGAAGTTAA[TA>T]AAGTACATCAGCAGTGGCAAAGGAATGCTAAGTCATCCACGAGGTTTATATCCATGGCCA-3'

ClinVar aggregate classification (germline): Likely benign (1 of 4 stars; one submission).

Conditions:
Tuberous sclerosis syndrome (TSC). Also called: Tuberous Sclerosis Complex; Tuberous sclerosis. Identifiers: Orphanet 805, MedGen C0041341, MONDO:0001734.

Submission:

All of Us Research Program, National Institutes of Health
Classification: Likely benign for Tuberous sclerosis syndrome. Last evaluated: 2023-07-22. Review status: criteria provided, single submitter. Criteria: ACMG Guidelines, 2015. Collection method: clinical testing. Allele origin: germline. Inheritance: Autosomal dominant inheritance. Observed: 1 variant allele, 1 heterozygote.
Comment: This study involves interpretation of variants in research participants for the purpose of population health screening. Participant phenotype was not available at the time of variant classification. Additional details can be found in publication PMID: 35346344, PMCID: PMC8962531